The following is an entry in ClinVar:

ClinVar aggregate classification (germline): Likely pathogenic (1 of 4 stars; one submission).

Conditions:
CDK13-related disorder. Also called: CDK13-related condition. Identifiers: MedGen C5816700.

Submission:

PreventionGenetics, part of Exact Sciences
Classification: Likely pathogenic for CDK13-related condition. Last evaluated: 2022-11-27. Review status: criteria provided, single submitter. Criteria: ACMG Guidelines, 2015. Collection method: clinical testing. Allele origin: germline.
Comment: The CDK13 c.1618_1619delAA variant is predicted to result in a frameshift and premature protein termination (p.Lys540Alafs*11). To our knowledge, this variant has not been reported in the literature or in a large population database, indicating this variant is rare. However, frameshift variants (some of which were confirmed to arise de novo) in CDK13 are expected to be pathogenic (Trinh et al. 2019. PubMed ID: 31238879; van den Akker et al. 2018. PubMed ID: 29393965). Taken together, this variant is interpreted as likely pathogenic.

NM_003718.5(CDK13):c.1618_1619del (p.Lys540fs)

Gene: CDK13 (cyclin dependent kinase 13; plus strand). Cytogenetic location: 7p14.1.
Variant type: Deletion.
Coding change: c.1618_1619del on transcript NM_003718.5 (MANE Select); coding-DNA positions 1618 to 1619, 2 bases deleted (AA; older notation c.1618_1619delAA).
Protein change: p.Lys540fs; shifts the reading frame from lysine 540.
Molecular consequence: frameshift variant.
Genome position (GRCh38, 1-based): chr7:39,988,005-39,988,006, AA deleted; deleting any 2 consecutive bases within chr7:39,988,004-39,988,006 gives the same sequence; the c. name uses the placement nearest the transcript's 3' end. VCF-style (leftmost placement, unchanged base first): chr7-39988003-CAA-C. GRCh37 (hg19) VCF-style: chr7-40027602-CAA-C.
Other names: c.1618_1619delAA, p.Lys540Alafs (NM_031267.4); short protein forms K540fs.
Identifiers: ClinVar variation 2635247 (VCV002635247.1), dbSNP rs2483753979, ClinGen allele CA2695198474.